The following is an entry in ClinVar:

ClinVar aggregate classification (germline): Uncertain significance (1 of 4 stars; one submission).

Conditions:
Epidermolysis bullosa simplex with nail dystrophy (EBS5D). Identifiers: MedGen C4225309, MONDO:0014661, OMIM 616487.
Epidermolysis bullosa simplex, Ogna type (EBS5A). Also called: Pidermolysis bullosa simplex 5A, Ogna type; EPIDERMOLYSIS BULLOSA SIMPLEX 5A, OGNA TYPE. Identifiers: Orphanet 79401, MedGen C0432317, MONDO:0007555, OMIM 131950.
Autosomal recessive limb-girdle muscular dystrophy type 2Q (LGMDR17). Also called: MUSCULAR DYSTROPHY, LIMB-GIRDLE, AUTOSOMAL RECESSIVE 17. Identifiers: Orphanet 254361, MedGen C3150989, MONDO:0013390, OMIM 613723.
Epidermolysis bullosa simplex 5B, with muscular dystrophy (EBS5B). Also called: EPIDERMOLYSIS BULLOSA SIMPLEX AND LIMB-GIRDLE MUSCULAR DYSTROPHY; Epidermolysis bullosa simplex with muscular dystrophy. Identifiers: Orphanet 257, MedGen C2931072, MONDO:0009181, OMIM 226670.
Epidermolysis bullosa simplex 5C, with pyloric atresia (EBS5C). Also called: PLEC-Related Epidermolysis Bullosa with Pyloric Atresia; Epidermolysis bullosa simplex with pyloric atresia; PLEC1-Related Epidermolysis Bullosa with Pyloric Atresia. Identifiers: Orphanet 158684, MedGen C2677349, MONDO:0012807, OMIM 612138.

Submission:

Labcorp Genetics (formerly Invitae), Labcorp
Classification: Uncertain significance for Autosomal recessive limb-girdle muscular dystrophy type 2Q; Epidermolysis bullosa simplex, Ogna type; Epidermolysis bullosa simplex with nail dystrophy; Epidermolysis bullosa simplex 5C, with pyloric atresia; Epidermolysis bullosa simplex 5B, with muscular dystrophy. Last evaluated: 2023-07-19. Review status: criteria provided, single submitter. Criteria: Invitae Variant Classification Sherloc (09022015). Collection method: clinical testing. Allele origin: germline.
Comment: Advanced modeling of protein sequence and biophysical properties (such as structural, functional, and spatial information, amino acid conservation, physicochemical variation, residue mobility, and thermodynamic stability) has been performed at Invitae for this missense variant, however the output from this modeling did not meet the statistical confidence thresholds required to predict the impact of this variant on PLEC protein function. In summary, the available evidence is currently insufficient to determine the role of this variant in disease. Therefore, it has been classified as a Variant of Uncertain Significance. This sequence change replaces aspartic acid, which is acidic and polar, with histidine, which is basic and polar, at codon 4005 of the PLEC protein (p.Asp4005His). This variant is not present in population databases (gnomAD no frequency). This variant has not been reported in the literature in individuals affected with PLEC-related conditions.

NM_201384.3(PLEC):c.11932G>C (p.Asp3978His)

Gene: PLEC (plectin; minus strand). Cytogenetic location: 8q24.3.
Variant type: single nucleotide variant.
Coding change: c.11932G>C on transcript NM_201384.3 (MANE Select); coding-DNA position 11932, G replaced by C.
Protein change: p.Asp3978His; replaces aspartic acid 3978 with histidine.
Molecular consequence: missense variant.
Genome position (GRCh38, 1-based): chr8:143,917,889, C>G on the plus strand (G>C on the coding strand, the complement: PLEC is on the minus strand). VCF-style: chr8-143917889-C-G. GRCh37 (hg19) VCF-style: chr8-144992057-C-G.
Other names: c.12013G>C, p.Asp4005His (NM_000445.5); c.8632G>C, p.Asp2878His (NM_001410941.1); c.11890G>C, p.Asp3964His (NM_201378.4); c.11866G>C, p.Asp3956His (NM_201379.3); c.12343G>C, p.Asp4115His (NM_201380.4); c.11836G>C, p.Asp3946His (NM_201381.3); c.11932G>C, p.Asp3978His (NM_201382.4); c.11944G>C, p.Asp3982His (NM_201383.3); short protein forms D3982H, D4005H, D4115H, D2878H, D3956H, D3964H, D3946H, D3978H.
Identifiers: ClinVar variation 2939656 (VCV002939656.3), dbSNP rs369738267, ClinGen allele CA372487334.